The following is an entry in ClinVar:

ClinVar aggregate classification (germline): Uncertain significance (1 of 4 stars; one submission).

Conditions:
Growth delay due to insulin-like growth factor I resistance. Also called: Somatomedin end-organ insensitivity to; Somatomedin-c resistance to; IGF-1 resistance; IGF-I RESISTANCE; Insulin-Like Growth Factor I Resistance. Identifiers: Orphanet 73273, MedGen C1849157, MONDO:0010038, OMIM 270450.

Submission:

Laboratorio de Genetica e Diagnostico Molecular, Hospital Israelita Albert Einstein
Classification: Uncertain significance for Growth delay due to insulin-like growth factor I resistance. Last evaluated: 2023-09-21. Review status: criteria provided, single submitter. Criteria: ACMG Guidelines, 2015. Collection method: clinical testing. Allele origin: germline. Affected: yes.
Comment: ACMG classification criteria: PM2 moderate

NM_000875.5(IGF1R):c.1408G>T (p.Gly470Trp)

Gene: IGF1R (insulin like growth factor 1 receptor; plus strand). Cytogenetic location: 15q26.3.
Variant type: single nucleotide variant.
Coding change: c.1408G>T on transcript NM_000875.5 (MANE Select); coding-DNA position 1408, G replaced by T.
Protein change: p.Gly470Trp; replaces glycine 470 with tryptophan.
Molecular consequence: missense variant.
Genome position (GRCh38, 1-based): chr15:98,908,845, G>T. VCF-style: chr15-98908845-G-T. GRCh37 (hg19) VCF-style: chr15-99452074-G-T.
Other names: c.1408G>T, p.Gly470Trp (NM_001291858.2); short protein forms G470W.
Identifiers: ClinVar variation 4056787 (VCV004056787.1).
Genomic context (GRCh38, chr15:98,908,845, plus strand): 5'-TTCAATCCCAAATTATGTGTTTCCGAAATTTACCGCATGGAGGAAGTGACGGGGACTAAA[G>T]GGCGCCAAAGCAAAGGGGACATAAACACCAGGAACAACGGGGAGAGAGCCTCCTGTGAGT-3'
Protein context (NP_000866.1, residues 460-480): YRMEEVTGTK[Gly470Trp]RQSKGDINTR